The following is an entry in ClinVar:

NM_007144.3(PCGF2):c.191G>A (p.Arg64Gln)

Gene: PCGF2 (polycomb group ring finger 2; minus strand). Cytogenetic location: 17q12.
Variant type: single nucleotide variant.
Coding change: c.191G>A on transcript NM_007144.3 (MANE Select); coding-DNA position 191, G replaced by A.
Protein change: p.Arg64Gln; replaces arginine 64 with glutamine.
Molecular consequence: missense variant.
Genome position (GRCh38, 1-based): chr17:38,739,604, C>T on the plus strand (G>A on the coding strand, the complement: PCGF2 is on the minus strand). VCF-style: chr17-38739604-C-T. GRCh37 (hg19) VCF-style: chr17-36895857-C-T.
Other names: c.191G>A, p.Arg64Gln (NM_001369614.1, NM_001369615.1); short protein forms R64Q.
Identifiers: ClinVar variation 4804975 (VCV004804975.1).

ClinVar aggregate classification (germline): Uncertain significance (1 of 4 stars; one submission).

gnomAD v4.1: 24 of 1,613,804 alleles (0.0015%); highest among the groups gnomAD compares: Non-Finnish European, 0.0018%; no homozygotes.

Submission:

Labcorp Genetics (formerly Invitae), Labcorp
Classification: Uncertain significance. Last evaluated: 2025-11-27. Review status: criteria provided, single submitter. Criteria: Invitae Variant Classification Sherloc (09022015). Collection method: clinical testing. Allele origin: germline.
Comment: This sequence change replaces arginine, which is basic and polar, with glutamine, which is neutral and polar, at codon 64 of the PCGF2 protein (p.Arg64Gln). This variant is present in population databases (no rsID available, gnomAD 0.0009%). This variant has not been reported in the literature in individuals affected with PCGF2-related conditions. Invitae Evidence Modeling of protein sequence and biophysical properties (such as structural, functional, and spatial information, amino acid conservation, physicochemical variation, residue mobility, and thermodynamic stability) indicates that this missense variant is not expected to disrupt PCGF2 protein function with a negative predictive value of 80%. In summary, the available evidence is currently insufficient to determine the role of this variant in disease. Therefore, it has been classified as a Variant of Uncertain Significance.